The following is an entry in ClinVar:

ClinVar aggregate classification (germline): Uncertain significance (1 of 4 stars; one submission).

Conditions:
Cortical dysplasia-focal epilepsy syndrome (PTHSL1). Also called: Pitt-Hopkins-like syndrome 1. Identifiers: Orphanet 163681, Orphanet 221150, MedGen C2750246, MONDO:0012400, OMIM 610042.

Submission:

Labcorp Genetics (formerly Invitae), Labcorp
Classification: Uncertain significance for Cortical dysplasia-focal epilepsy syndrome. Last evaluated: 2020-02-21. Review status: criteria provided, single submitter. Criteria: Invitae Variant Classification Sherloc (09022015). Collection method: clinical testing. Allele origin: germline.
Comment: This sequence change replaces serine with threonine at codon 511 of the CNTNAP2 protein (p.Ser511Thr). The serine residue is moderately conserved and there is a small physicochemical difference between serine and threonine. This variant is not present in population databases (ExAC no frequency). This variant has not been reported in the literature in individuals with CNTNAP2-related disease. Algorithms developed to predict the effect of missense changes on protein structure and function output the following: SIFT: "Deleterious"; PolyPhen-2: "Benign"; Align-GVGD: "Class C0". The threonine amino acid residue is found in multiple mammalian species, suggesting that this missense change does not adversely affect protein function. These predictions have not been confirmed by published functional studies and their clinical significance is uncertain. In summary, the available evidence is currently insufficient to determine the role of this variant in disease. Therefore, it has been classified as a Variant of Uncertain Significance.

NM_014141.6(CNTNAP2):c.1531T>A (p.Ser511Thr)

Gene: CNTNAP2 (contactin associated protein 2; plus strand). Cytogenetic location: 7q35.
Variant type: single nucleotide variant.
Coding change: c.1531T>A on transcript NM_014141.6 (MANE Select); coding-DNA position 1531, T replaced by A.
Protein change: p.Ser511Thr; replaces serine 511 with threonine.
Molecular consequence: missense variant.
Genome position (GRCh38, 1-based): chr7:147,395,641, T>A. VCF-style: chr7-147395641-T-A. GRCh37 (hg19) VCF-style: chr7-147092733-T-A.
Other names: short protein forms S511T.
Identifiers: ClinVar variation 468418 (VCV000468418.9), dbSNP rs1554479252, ClinGen allele CA369925452.